The following is an entry in ClinVar:

NM_000051.4(ATM):c.2566A>G (p.Asn856Asp)

Gene: ATM (ATM serine/threonine kinase; plus strand). Cytogenetic location: 11q22.3.
Variant type: single nucleotide variant.
Coding change: c.2566A>G on transcript NM_000051.4 (MANE Select); coding-DNA position 2566, A replaced by G.
Protein change: p.Asn856Asp; replaces asparagine 856 with aspartic acid.
Molecular consequence: missense variant.
Genome position (GRCh38, 1-based): chr11:108,267,270, A>G. VCF-style: chr11-108267270-A-G. GRCh37 (hg19) VCF-style: chr11-108137997-A-G.
Other names: c.2566A>G, p.Asn856Asp (NM_001351834.2); short protein forms N856D.
Identifiers: ClinVar variation 1034597 (VCV001034597.6), dbSNP rs774757757, ClinGen allele CA6265062.

ClinVar aggregate classification (germline): Uncertain significance (1 of 4 stars; one submission).

Conditions:
Ataxia-telangiectasia syndrome (AT). Also called: Ataxia-telangiectasia, complementation group D; ATAXIA-TELANGIECTASIA, COMPLEMENTATION GROUP A; ATAXIA-TELANGIECTASIA, FRESNO VARIANT; Ataxia-telangiectasia; Ataxia-telangiectasia, complementation group E; LOUIS-BAR SYNDROME. Identifiers: Orphanet 100, MedGen C0004135, MONDO:0008840, OMIM 208900.

Allele frequency attached by ClinVar (database versions not stated): gnomAD exomes below 0.00001; ExAC 0.00001.
gnomAD v4.1: 1 of 1,614,158 alleles (0.000062%); highest among the groups gnomAD compares: East Asian, 0.0022%; no homozygotes.

Submission:

Labcorp Genetics (formerly Invitae), Labcorp
Classification: Uncertain significance for Ataxia-telangiectasia syndrome. Last evaluated: 2020-08-06. Review status: criteria provided, single submitter. Criteria: Invitae Variant Classification Sherloc (09022015). Collection method: clinical testing. Allele origin: germline.
Comment: This variant has not been reported in the literature in individuals with ATM-related conditions. This variant is present in population databases (rs774757757, ExAC 0.01%). This sequence change replaces asparagine with aspartic acid at codon 856 of the ATM protein (p.Asn856Asp). The asparagine residue is weakly conserved and there is a small physicochemical difference between asparagine and aspartic acid. Advanced modeling of protein sequence and biophysical properties (such as structural, functional, and spatial information, amino acid conservation, physicochemical variation, residue mobility, and thermodynamic stability) performed at Invitae indicates that this missense variant is not expected to disrupt ATM protein function. In summary, the available evidence is currently insufficient to determine the role of this variant in disease. Therefore, it has been classified as a Variant of Uncertain Significance.